The following is an entry in ClinVar:

NM_054012.4(ASS1):c.1077C>A (p.Tyr359Ter)

Gene: ASS1 (argininosuccinate synthase 1; plus strand). Cytogenetic location: 9q34.11.
Variant type: single nucleotide variant.
Coding change: c.1077C>A on transcript NM_054012.4 (MANE Select); coding-DNA position 1077, C replaced by A.
Protein change: p.Tyr359Ter; replaces tyrosine 359 with a stop codon.
Molecular consequence: nonsense.
Genome position (GRCh38, 1-based): chr9:130,494,973, C>A. VCF-style: chr9-130494973-C-A. GRCh37 (hg19) VCF-style: chr9-133370360-C-A.
Other names: c.1077C>A, p.Tyr359Ter (NM_000050.4); short protein forms Y359*.
Identifiers: ClinVar variation 5011578 (VCV005011578.1).

ClinVar aggregate classification (germline): Pathogenic (1 of 4 stars; one submission).

Conditions:
Citrullinemia type I (CTNL1). Also called: ASS DEFICIENCY; argininosuccinate synthetase deficiency. Identifiers: Orphanet 247525, MedGen C4721769, MONDO:0008988, OMIM 215700.

Submission:

Myriad Genetics, Inc.
Classification: Pathogenic for Citrullinemia type I. Last evaluated: 2023-09-05. Review status: criteria provided, single submitter. Criteria: Myriad Autosomal Dominant, Autosomal Recessive and X-Linked Classification Criteria (2023). Collection method: clinical testing. Allele origin: unknown.
Comment: NM_000050.4(ASS1):c.1077C>A(Y359*) is expected to be pathogenic in the context of citrullinemia type 1. This variant is predicted to lead to an abnormal or absent protein product due to the creation of a premature termination codon in ASS1, a gene where loss-of-function variants are known to be pathogenic. Please note: this variant was assessed in the context of healthy population screening.